The following is an entry in ClinVar:

NM_001127222.2(CACNA1A):c.4970G>T (p.Ser1657Ile)

Gene: CACNA1A (calcium voltage-gated channel subunit alpha1 A; minus strand). Cytogenetic location: 19p13.13.
Variant type: single nucleotide variant.
Coding change: c.4970G>T on transcript NM_001127222.2 (MANE Select); coding-DNA position 4970, G replaced by T.
Protein change: p.Ser1657Ile; replaces serine 1657 with isoleucine.
Molecular consequence: missense variant.
Genome position (GRCh38, 1-based): chr19:13,235,711, C>A on the plus strand (G>T on the coding strand, the complement: CACNA1A is on the minus strand). VCF-style: chr19-13235711-C-A. GRCh37 (hg19) VCF-style: chr19-13346525-C-A.
Other names: c.4988G>T, p.Ser1663Ile (NM_000068.4, NM_023035.3); c.4973G>T, p.Ser1658Ile (NM_001127221.2); c.4979G>T, p.Ser1660Ile (NM_001174080.2); short protein forms S1657I, S1660I, S1663I, S1658I.
Identifiers: ClinVar variation 2011587 (VCV002011587.4), dbSNP rs2512649618, ClinGen allele CA404337067.

ClinVar aggregate classification (germline): Uncertain significance (1 of 4 stars; one submission).

Conditions:
Episodic ataxia type 2 (EA2). Also called: ATAXIA, EPISODIC, WITH NYSTAGMUS; ATAXIA, FAMILIAL PAROXYSMAL; CEREBELLAR ATAXIA, PAROXYSMAL, ACETAZOLAMIDE-RESPONSIVE; CEREBELLOPATHY, HEREDITARY PAROXYSMAL; ACETAZOLAMIDE-RESPONSIVE HEREDITARY PAROXYSMAL CEREBELLAR ATAXIA; EPISODIC ATAXIA, NYSTAGMUS-ASSOCIATED. Identifiers: Orphanet 97, MedGen C1720416, MONDO:0007163, OMIM 108500.
Developmental and epileptic encephalopathy, 42 (DEE42A). Also called: Epileptic encephalopathy, early infantile, 42; DEVELOPMENTAL AND EPILEPTIC ENCEPHALOPATHY 42A; EPILEPTIC ENCEPHALOPATHY, EARLY INFANTILE, 42A. Identifiers: MedGen C4310716, MONDO:0014917, OMIM 617106.

Submission:

Labcorp Genetics (formerly Invitae), Labcorp
Classification: Uncertain significance for Developmental and epileptic encephalopathy, 42; Episodic ataxia type 2. Last evaluated: 2022-06-27. Review status: criteria provided, single submitter. Criteria: Invitae Variant Classification Sherloc (09022015). Collection method: clinical testing. Allele origin: germline.
Comment: This variant is not present in population databases (gnomAD no frequency). This sequence change replaces serine, which is neutral and polar, with isoleucine, which is neutral and non-polar, at codon 1658 of the CACNA1A protein (p.Ser1658Ile). This variant has not been reported in the literature in individuals affected with CACNA1A-related conditions. Advanced modeling of protein sequence and biophysical properties (such as structural, functional, and spatial information, amino acid conservation, physicochemical variation, residue mobility, and thermodynamic stability) performed at Invitae indicates that this missense variant is expected to disrupt CACNA1A protein function. In summary, the available evidence is currently insufficient to determine the role of this variant in disease. Therefore, it has been classified as a Variant of Uncertain Significance.